The following is an entry in ClinVar:

NM_000038.6(APC):c.-18-5320T>G

Gene: APC (APC regulator of WNT signaling pathway; plus strand). Cytogenetic location: 5q22.2.
Variant type: single nucleotide variant.
Coding change: c.-18-5320T>G on transcript NM_000038.6 (MANE Select); 5320 bases into the intron before 18 bases upstream of the start codon, T replaced by G.
Molecular consequence: intron variant.
Genome position (GRCh38, 1-based): chr5:112,749,553, T>G. VCF-style: chr5-112749553-T-G. GRCh37 (hg19) VCF-style: chr5-112085250-T-G.
Other names: c.-18-5320T>G (NM_001354895.2, NM_001127510.3, NM_001354896.2 and 2 more transcripts); c.166-16773T>G (NM_001354897.2, NM_001354902.2, NM_001127511.3); c.60+11093T>G (NM_001354898.2, NM_001354904.2); c.-1053-5320T>G (NM_001354906.2); c.-43+11628T>G (NM_001354900.2, NM_001354901.2, NM_001354905.2).
Identifiers: ClinVar variation 82356 (VCV000082356.2), dbSNP rs77973517, ClinGen allele CA006144.

ClinVar aggregate classification (germline): other (0 of 4 stars; one submission).

Conditions:
Familial colorectal cancer. Identifiers: MedGen CN280943, MONDO:0023113. Disease mechanism: loss of function.

Submission:

Systems Biology Platform Zhejiang California International NanoSystems Institute
Classification: other for Familial colorectal cancer. Review status: no assertion criteria provided. Collection method: not provided. Allele origin: unknown.
ClinVar note: Converted during submission from cancer to other.